The following is an entry in ClinVar:

ClinVar aggregate classification (germline): Conflicting classifications of pathogenicity. Review status: criteria provided, conflicting classifications (1 of 4 stars). 3 submissions from 3 submitters: Uncertain significance (2); Likely benign (1). Last evaluated 2024-08-11.

Conditions:
Hereditary cancer-predisposing syndrome. Also called: Neoplastic Syndromes, Hereditary; Hereditary Cancer Syndrome; Hereditary neoplastic syndrome; Tumor predisposition. Identifiers: Orphanet 140162, MedGen C0027672, MeSH D009386, MONDO:0015356.
Hereditary breast ovarian cancer syndrome. Also called: Hereditary breast and ovarian cancer syndrome (HBOC); Hereditary breast and ovarian cancer syndrome; Breast and ovarian cancer; Hereditary breast and/or ovarian cancer syndrome; Hereditary breast and ovarian cancer; BRCA1- and BRCA2-Associated Hereditary Breast and Ovarian Cancer. Identifiers: Orphanet 145, MedGen C0677776, MeSH D061325, MONDO:0003582. Disease mechanism: loss of function.

gnomAD v4.1: 1 of 1,594,968 alleles (0.000063%); no homozygotes.

Submissions (3):

Labcorp Genetics (formerly Invitae), Labcorp
Classification: Uncertain significance for Hereditary breast ovarian cancer syndrome. Last evaluated: 2024-08-11. Review status: criteria provided, single submitter. Criteria: Invitae Variant Classification Sherloc (09022015). Collection method: clinical testing. Allele origin: germline.
Comment: This sequence change replaces lysine, which is basic and polar, with glutamic acid, which is acidic and polar, at codon 502 of the BRCA2 protein (p.Lys502Glu). This variant is not present in population databases (gnomAD no frequency). This variant has not been reported in the literature in individuals affected with BRCA2-related conditions. ClinVar contains an entry for this variant (Variation ID: 462236). Advanced modeling of protein sequence and biophysical properties (such as structural, functional, and spatial information, amino acid conservation, physicochemical variation, residue mobility, and thermodynamic stability) performed at Invitae indicates that this missense variant is not expected to disrupt BRCA2 protein function with a negative predictive value of 95%. In summary, the available evidence is currently insufficient to determine the role of this variant in disease. Therefore, it has been classified as a Variant of Uncertain Significance.

Ambry Genetics
Classification: Uncertain significance for Hereditary cancer-predisposing syndrome. Last evaluated: 2023-06-07. Review status: criteria provided, single submitter. Criteria: Ambry Variant Classification Scheme 2023. Collection method: clinical testing. Allele origin: germline.
Comment: The p.K502E variant (also known as c.1504A>G), located in coding exon 9 of the BRCA2 gene, results from an A to G substitution at nucleotide position 1504. The lysine at codon 502 is replaced by glutamic acid, an amino acid with similar properties. This amino acid position is conserved. In addition, this alteration is predicted to be tolerated by in silico analysis. Since supporting evidence is limited at this time, the clinical significance of this alteration remains unclear.

University of Washington Department of Laboratory Medicine, University of Washington
Classification: Likely benign for Hereditary cancer-predisposing syndrome. Last evaluated: 2023-03-23. Review status: criteria provided, single submitter. Criteria: Dines et al. (Genet Med. 2020). Collection method: curation. Allele origin: germline.
Comment: Missense variant in a coldspot region where missense variants are very unlikely to be pathogenic (PMID:31911673).

BRCA2 exon 10 coldspot. Reclassification based on statistical prior probability.

NM_000059.4(BRCA2):c.1504A>G (p.Lys502Glu)

Gene: BRCA2 (BRCA2 DNA repair associated; plus strand). Cytogenetic location: 13q13.1.
Variant type: single nucleotide variant.
Coding change: c.1504A>G on transcript NM_000059.4 (MANE Select); coding-DNA position 1504, A replaced by G.
Protein change: p.Lys502Glu; replaces lysine 502 with glutamic acid.
Molecular consequence: missense variant.
Genome position (GRCh38, 1-based): chr13:32,332,982, A>G. VCF-style: chr13-32332982-A-G. GRCh37 (hg19) VCF-style: chr13-32907119-A-G.
Other names: short protein forms K502E.
Identifiers: ClinVar variation 462236 (VCV000462236.12), dbSNP rs276174809, ClinGen allele CA387764497.